The following is an entry in ClinVar:

NM_005677.4(COLQ):c.1090C>G (p.Pro364Ala)

Gene: COLQ (collagen like tail subunit of asymmetric acetylcholinesterase; minus strand). Cytogenetic location: 3p25.1.
Variant type: single nucleotide variant.
Coding change: c.1090C>G on transcript NM_005677.4 (MANE Select); coding-DNA position 1090, C replaced by G.
Protein change: p.Pro364Ala; replaces proline 364 with alanine.
Molecular consequence: missense variant.
Genome position (GRCh38, 1-based): chr3:15,456,004, G>C on the plus strand (C>G on the coding strand, the complement: COLQ is on the minus strand). VCF-style: chr3-15456004-G-C. GRCh37 (hg19) VCF-style: chr3-15497511-G-C.
Other names: c.1060C>G, p.Pro354Ala (NM_080538.2); c.988C>G, p.Pro330Ala (NM_080539.4); short protein forms P330A, P354A, P364A.
Identifiers: ClinVar variation 958917 (VCV000958917.9), dbSNP rs1357228486, ClinGen allele CA351596542.
Genomic context (GRCh38, chr3:15,456,004, plus strand): 5'-CCCCAGGCTGCAGGAGCCCATCCCCACAGGTGCCGTGCTGGTCTGCAGTGTAATCCACAG[G>C]GTAGAAAGGGGTCAGCTGGCCAAAGAAGCACACAGCATTAACTGGAGCATGGCATACCCA-3'
Protein context (NP_005668.2, residues 354-374): WLPIQLTPFY[Pro364Ala]VDYTADQHGT

ClinVar aggregate classification (germline): Uncertain significance (1 of 4 stars; one submission).

Conditions:
Congenital myasthenic syndrome 5. Identifiers: Orphanet 590, MedGen C1864233, MONDO:0011281, OMIM 603034.

Submission:

Labcorp Genetics (formerly Invitae), Labcorp
Classification: Uncertain significance for Congenital myasthenic syndrome 5. Last evaluated: 2025-08-19. Review status: criteria provided, single submitter. Criteria: Invitae Variant Classification Sherloc (09022015). Collection method: clinical testing. Allele origin: germline.
Comment: This sequence change replaces proline, which is neutral and non-polar, with alanine, which is neutral and non-polar, at codon 364 of the COLQ protein (p.Pro364Ala). This variant is not present in population databases (gnomAD no frequency). This variant has not been reported in the literature in individuals affected with COLQ-related conditions. ClinVar contains an entry for this variant (Variation ID: 958917). Invitae Evidence Modeling of protein sequence and biophysical properties (such as structural, functional, and spatial information, amino acid conservation, physicochemical variation, residue mobility, and thermodynamic stability) indicates that this missense variant is not expected to disrupt COLQ protein function with a negative predictive value of 80%. In summary, the available evidence is currently insufficient to determine the role of this variant in disease. Therefore, it has been classified as a Variant of Uncertain Significance.